The following is an entry in ClinVar:

ClinVar aggregate classification (germline): Uncertain significance (1 of 4 stars; one submission).

Submission:

Labcorp Genetics (formerly Invitae), Labcorp
Classification: Uncertain significance. Last evaluated: 2023-03-20. Review status: criteria provided, single submitter. Criteria: Invitae Variant Classification Sherloc (09022015). Collection method: clinical testing. Allele origin: germline.
Comment: This variant has not been reported in the literature in individuals affected with TCF20-related conditions. In summary, the available evidence is currently insufficient to determine the role of this variant in disease. Therefore, it has been classified as a Variant of Uncertain Significance. An algorithm developed to predict the effect of missense changes on protein structure and function (PolyPhen-2) suggests that this variant is likely to be disruptive. This variant is not present in population databases (gnomAD no frequency). This sequence change replaces alanine, which is neutral and non-polar, with glycine, which is neutral and non-polar, at codon 1712 of the TCF20 protein (p.Ala1712Gly).

NM_001378418.1(TCF20):c.5135C>G (p.Ala1712Gly)

Gene: TCF20 (transcription factor 20; minus strand). Cytogenetic location: 22q13.2.
Variant type: single nucleotide variant.
Coding change: c.5135C>G on transcript NM_001378418.1 (MANE Select); coding-DNA position 5135, C replaced by G.
Protein change: p.Ala1712Gly; replaces alanine 1712 with glycine.
Molecular consequence: missense variant.
Genome position (GRCh38, 1-based): chr22:42,210,171, G>C on the plus strand (C>G on the coding strand, the complement: TCF20 is on the minus strand). VCF-style: chr22-42210171-G-C. GRCh37 (hg19) VCF-style: chr22-42606177-G-C.
Other names: c.5135C>G, p.Ala1712Gly (NM_005650.4, NM_181492.3); short protein forms A1712G.
Identifiers: ClinVar variation 2847955 (VCV002847955.3), dbSNP rs2518201227, ClinGen allele CA411782440.